The following is an entry in ClinVar:

NM_001291303.3(FAT4):c.12479+7C>T

Gene: FAT4 (FAT atypical cadherin 4; plus strand). Cytogenetic location: 4q28.1.
Variant type: single nucleotide variant.
Coding change: c.12479+7C>T on transcript NM_001291303.3 (MANE Select); 7 bases into the intron after coding-DNA position 12479, C replaced by T.
Molecular consequence: intron variant.
Genome position (GRCh38, 1-based): chr4:125,477,341, C>T. VCF-style: chr4-125477341-C-T. GRCh37 (hg19) VCF-style: chr4-126398496-C-T.
Other names: c.12479+7C>T (NM_001291285.3); c.12473+7C>T (NM_024582.6).
Identifiers: ClinVar variation 1360492 (VCV001360492.7), dbSNP rs769242691, ClinGen allele CA3074096.

ClinVar aggregate classification (germline): Uncertain significance (1 of 4 stars; one submission).

Allele frequency attached by ClinVar (database versions not stated): gnomAD 0.00001; gnomAD exomes 0.00001; ExAC 0.00002.
gnomAD v4.1: 18 of 1,542,040 alleles (0.0012%); highest among the groups gnomAD compares: Middle Eastern, 0.068%; no homozygotes.

Submission:

Labcorp Genetics (formerly Invitae), Labcorp
Classification: Uncertain significance. Last evaluated: 2024-04-23. Review status: criteria provided, single submitter. Criteria: Invitae Variant Classification Sherloc (09022015). Collection method: clinical testing. Allele origin: germline.
Comment: This sequence change falls in intron 13 of the FAT4 gene. It does not directly change the encoded amino acid sequence of the FAT4 protein. This variant is present in population databases (rs769242691, gnomAD 0.007%). This variant has not been reported in the literature in individuals affected with FAT4-related conditions. ClinVar contains an entry for this variant (Variation ID: 1360492). Algorithms developed to predict the effect of sequence changes on RNA splicing suggest that this variant may create or strengthen a splice site. In summary, the available evidence is currently insufficient to determine the role of this variant in disease. Therefore, it has been classified as a Variant of Uncertain Significance.